The following is an entry in ClinVar:

NM_001854.4(COL11A1):c.4608+266G>A

Gene: COL11A1 (collagen type XI alpha 1 chain; minus strand). Cytogenetic location: 1p21.1.
Variant type: single nucleotide variant.
Coding change: c.4608+266G>A on transcript NM_001854.4 (MANE Select); 266 bases into the intron after coding-DNA position 4608, G replaced by A.
Molecular consequence: intron variant.
Genome position (GRCh38, 1-based): chr1:102,888,311, C>T on the plus strand (G>A on the coding strand, the complement: COL11A1 is on the minus strand). VCF-style: chr1-102888311-C-T. GRCh37 (hg19) VCF-style: chr1-103353867-C-T.
Other names: c.4491+266G>A (NM_001190709.2); c.4644+266G>A (NM_080629.3); c.4260+266G>A (NM_080630.4).
Identifiers: ClinVar variation 681206 (VCV000681206.1), dbSNP rs2783569, ClinGen allele CA16062648.

ClinVar aggregate classification (germline): Benign (1 of 4 stars; one submission).

Allele frequency attached by ClinVar (database versions not stated): 1000 Genomes Project 30x 0.61914; 1000 Genomes Project 0.62280; TOPMed 0.63937; gnomAD 0.64406 and 0.64934.
gnomAD v4.1: 98,922 of 151,944 alleles (65%); highest among the groups gnomAD compares: Middle Eastern, 80%; 35,501 homozygotes.

Submission:

GeneDx
Classification: Benign. Last evaluated: 2018-06-14. Review status: criteria provided, single submitter. Criteria: GeneDx Variant Classification (06012015). Collection method: clinical testing. Allele origin: germline. Affected: yes.
Comment: This variant is considered likely benign or benign based on one or more of the following criteria: it is a conservative change, it occurs at a poorly conserved position in the protein, it is predicted to be benign by multiple in silico algorithms, and/or has population frequency not consistent with disease.